The following is an entry in ClinVar:

ClinVar aggregate classification (germline): Uncertain significance (1 of 4 stars; one submission).

Conditions:
Inborn genetic diseases. Identifiers: MedGen C0950123, MeSH D030342.

Submission:

Ambry Genetics
Classification: Uncertain significance for Inborn genetic diseases. Last evaluated: 2025-08-25. Review status: criteria provided, single submitter. Criteria: Ambry Variant Classification Scheme 2023. Collection method: clinical testing. Allele origin: germline.
Comment: The p.Q593H variant (also known as c.1779A>T), located in coding exon 12 of the BMPR2 gene, results from an A to T substitution at nucleotide position 1779. The glutamine at codon 593 is replaced by histidine, an amino acid with highly similar properties. This amino acid position is conserved. In addition, the in silico prediction for this alteration is inconclusive. Based on the available evidence, the clinical significance of this variant remains unclear.

NM_001204.7(BMPR2):c.1779A>T (p.Gln593His)

Gene: BMPR2 (bone morphogenetic protein receptor type 2; plus strand). Cytogenetic location: 2q33.2.
Variant type: single nucleotide variant.
Coding change: c.1779A>T on transcript NM_001204.7 (MANE Select); coding-DNA position 1779, A replaced by T.
Protein change: p.Gln593His; replaces glutamine 593 with histidine.
Molecular consequence: missense variant.
Genome position (GRCh38, 1-based): chr2:202,555,444, A>T. VCF-style: chr2-202555444-A-T. GRCh37 (hg19) VCF-style: chr2-203420167-A-T.
Other names: short protein forms Q593H.
Identifiers: ClinVar variation 4214535 (VCV004214535.1).